The following is an entry in ClinVar:

NM_002334.4(LRP4):c.5138C>T (p.Ala1713Val)

Genes: LRP4 (LDL receptor related protein 4; minus strand), LRP4-AS1 (LRP4 antisense RNA 1; plus strand). Cytogenetic location: 11p11.2.
Variant type: single nucleotide variant.
Coding change: c.5138C>T on transcript NM_002334.4 (MANE Select); coding-DNA position 5138, C replaced by T.
Protein change: p.Ala1713Val; replaces alanine 1713 with valine.
Molecular consequence: missense variant.
Genome position (GRCh38, 1-based): chr11:46,865,136, G>A on the plus strand (C>T on the coding strand, the complement: LRP4 is on the minus strand). VCF-style: chr11-46865136-G-A. GRCh37 (hg19) VCF-style: chr11-46886687-G-A.
Other names: short protein forms A1713V.
Identifiers: ClinVar variation 642930 (VCV000642930.9), dbSNP rs1035754612, ClinGen allele CA221623380.

ClinVar aggregate classification (germline): Uncertain significance. Review status: criteria provided, multiple submitters, no conflicts (2 of 4 stars). 2 submissions from 2 submitters: Uncertain significance (2). Last evaluated 2022-08-16.

Conditions:
Sclerosteosis 2 (SOST2). Identifiers: Orphanet 3152, MedGen C3280402, MONDO:0013679, OMIM 614305.
Cenani-Lenz syndactyly syndrome. Also called: CENANI SYNDACTYLISM; SYNDACTYLY, TYPE VII. Identifiers: Orphanet 3258, MedGen C1859309, MONDO:0008931, OMIM 212780.
Congenital myasthenic syndrome 17. Identifiers: Orphanet 590, MedGen C4225377, MONDO:0014578, OMIM 616304.

Allele frequency attached by ClinVar (database versions not stated): gnomAD exomes 0.00001 and 0.00004; TOPMed 0.00002; gnomAD 0.00004.
gnomAD v4.1: 59 of 1,562,968 alleles (0.0038%); highest among the groups gnomAD compares: Non-Finnish European, 0.0051%; no homozygotes.

Submissions (2):

Labcorp Genetics (formerly Invitae), Labcorp
Classification: Uncertain significance for Cenani-Lenz syndactyly syndrome; Sclerosteosis 2; Congenital myasthenic syndrome 17. Last evaluated: 2022-08-16. Review status: criteria provided, single submitter. Criteria: Invitae Variant Classification Sherloc (09022015). Collection method: clinical testing. Allele origin: germline.
Comment: This sequence change replaces alanine, which is neutral and non-polar, with valine, which is neutral and non-polar, at codon 1713 of the LRP4 protein (p.Ala1713Val). The frequency data for this variant in the population databases is considered unreliable, as metrics indicate poor data quality at this position in the gnomAD database. This variant has not been reported in the literature in individuals affected with LRP4-related conditions. ClinVar contains an entry for this variant (Variation ID: 642930). Algorithms developed to predict the effect of missense changes on protein structure and function (SIFT, PolyPhen-2, Align-GVGD) all suggest that this variant is likely to be tolerated. In summary, the available evidence is currently insufficient to determine the role of this variant in disease. Therefore, it has been classified as a Variant of Uncertain Significance.

Fulgent Genetics
Classification: Uncertain significance for Cenani-Lenz syndactyly syndrome; Sclerosteosis 2; Congenital myasthenic syndrome 17. Last evaluated: 2021-12-17. Review status: criteria provided, single submitter. Criteria: ACMG Guidelines, 2015. Collection method: clinical testing. Allele origin: unknown.